The following is an entry in ClinVar:

NM_001374736.1(DST):c.20426T>C (p.Met6809Thr)

Gene: DST (dystonin; minus strand). Cytogenetic location: 6p12.1.
Variant type: single nucleotide variant.
Coding change: c.20426T>C on transcript NM_001374736.1 (MANE Select); coding-DNA position 20426, T replaced by C.
Protein change: p.Met6809Thr; replaces methionine 6809 with threonine.
Molecular consequence: missense variant.
Genome position (GRCh38, 1-based): chr6:56,493,058, A>G on the plus strand (T>C on the coding strand, the complement: DST is on the minus strand). VCF-style: chr6-56493058-A-G. GRCh37 (hg19) VCF-style: chr6-56357856-A-G.
Other names: c.14069T>C, p.Met4690Thr (NM_001144769.5); c.13655T>C, p.Met4552Thr (NM_001144770.2); c.20426T>C, p.Met6809Thr (NM_001374722.1); c.19466T>C, p.Met6489Thr (NM_001374729.1); c.13208T>C, p.Met4403Thr (NM_001374730.1); c.20453T>C, p.Met6818Thr (NM_001374734.1); c.12557T>C, p.Met4186Thr (NM_015548.5); c.13535T>C, p.Met4512Thr (NM_183380.4); short protein forms M4403T, M4512T, M4690T, M4186T, M4552T, M6809T, M6818T, M6489T.
Identifiers: ClinVar variation 967876 (VCV000967876.7), dbSNP rs781336562, ClinGen allele CA3866747.

ClinVar aggregate classification (germline): Uncertain significance (1 of 4 stars; one submission).

Conditions:
Hereditary sensory and autonomic neuropathy type 6. Also called: Neuropathy, hereditary sensory and autonomic, type VI; HSAN VI. Identifiers: Orphanet 314381, MedGen C3539003, MONDO:0013839, OMIM 614653.
Epidermolysis bullosa simplex 3, localized or generalized intermediate, with BP230 deficiency (EBS3). Also called: Epidermolysis bullosa simplex, autosomal recessive 2; Epidermolysis bullosa simplex due to BP230 deficiency. Identifiers: Orphanet 412181, MedGen C3809470, MONDO:0014180, OMIM 615425.

Allele frequency attached by ClinVar (database versions not stated): gnomAD exomes below 0.00001 and 0.00002; ExAC 0.00001; gnomAD 0.00001; TOPMed 0.00001.
gnomAD v4.1: 36 of 1,612,300 alleles (0.0022%); highest among the groups gnomAD compares: Non-Finnish European, 0.0031%; no homozygotes.

Submission:

Labcorp Genetics (formerly Invitae), Labcorp
Classification: Uncertain significance for Epidermolysis bullosa simplex 3, localized or generalized intermediate, with BP230 deficiency; Hereditary sensory and autonomic neuropathy type 6. Last evaluated: 2024-12-16. Review status: criteria provided, single submitter. Criteria: Invitae Variant Classification Sherloc (09022015). Collection method: clinical testing. Allele origin: germline.
Comment: The DST gene has multiple clinically relevant transcripts. This variant occurs in alternate transcript NM_015548.4, and corresponds to NM_001723.5:c.*122459T>C in the primary transcript. This sequence change replaces methionine, which is neutral and non-polar, with threonine, which is neutral and polar, at codon 4186 of the DST protein (p.Met4186Thr). This variant is present in population databases (rs781336562, gnomAD 0.0009%). This variant has not been reported in the literature in individuals affected with DST-related conditions. Experimental studies and prediction algorithms are not available or were not evaluated, and the functional significance of this variant is currently unknown. In summary, the available evidence is currently insufficient to determine the role of this variant in disease. Therefore, it has been classified as a Variant of Uncertain Significance.